The following is an entry in ClinVar:

NM_007227.3(GPR45):c.12C>T (p.Asn4=)

Gene: GPR45 (G protein-coupled receptor 45; plus strand). Cytogenetic location: 2q12.1.
Variant type: single nucleotide variant.
Coding change: c.12C>T on transcript NM_007227.3 (MANE Select); coding-DNA position 12, C replaced by T.
Protein change: p.Asn4=; no amino-acid change (asparagine 4 retained).
Molecular consequence: synonymous variant.
Genome position (GRCh38, 1-based): chr2:105,241,870, C>T. VCF-style: chr2-105241870-C-T. GRCh37 (hg19) VCF-style: chr2-105858327-C-T.
Identifiers: ClinVar variation 2134053 (VCV002134053.4), dbSNP rs1207497487, ClinGen allele CA428034390.

ClinVar aggregate classification (germline): Uncertain significance (1 of 4 stars; one submission).

Allele frequency attached by ClinVar (database versions not stated): gnomAD exomes 0.00001.
gnomAD v4.1: 9 of 1,561,578 alleles (0.00058%); highest among the groups gnomAD compares: Non-Finnish European, 0.0007%; no homozygotes.

Submission:

Labcorp Genetics (formerly Invitae), Labcorp
Classification: Uncertain significance. Last evaluated: 2022-05-05. Review status: criteria provided, single submitter. Criteria: Invitae Variant Classification Sherloc (09022015). Collection method: clinical testing. Allele origin: germline.
Comment: This variant is present in population databases (no rsID available, gnomAD 0.001%). This sequence change affects codon 4 of the GPR45 mRNA. It is a 'silent' change, meaning that it does not change the encoded amino acid sequence of the GPR45 protein. In summary, the available evidence is currently insufficient to determine the role of this variant in disease. Therefore, it has been classified as a Variant of Uncertain Significance. This variant has not been reported in the literature in individuals affected with GPR45-related conditions.